The following is an entry in ClinVar:

ClinVar aggregate classification (germline): Uncertain significance (1 of 4 stars; one submission).

Allele frequency attached by ClinVar (database versions not stated): TOPMed 0.00001; gnomAD exomes 0.00002; ExAC 0.00003; gnomAD 0.00003.
gnomAD v4.1: 28 of 1,613,684 alleles (0.0017%); highest among the groups gnomAD compares: South Asian, 0.0099%; 1 homozygote.

Submission:

Labcorp Genetics (formerly Invitae), Labcorp
Classification: Uncertain significance. Last evaluated: 2022-08-16. Review status: criteria provided, single submitter. Criteria: Invitae Variant Classification Sherloc (09022015). Collection method: clinical testing. Allele origin: germline.
Comment: This sequence change replaces arginine, which is basic and polar, with cysteine, which is neutral and slightly polar, at codon 95 of the GPC6 protein (p.Arg95Cys). This variant is present in population databases (rs760150200, gnomAD 0.01%). This variant has not been reported in the literature in individuals affected with GPC6-related conditions. Algorithms developed to predict the effect of missense changes on protein structure and function are either unavailable or do not agree on the potential impact of this missense change (SIFT: "Deleterious"; PolyPhen-2: "Probably Damaging"; Align-GVGD: "Class C0"). In summary, the available evidence is currently insufficient to determine the role of this variant in disease. Therefore, it has been classified as a Variant of Uncertain Significance.

NM_005708.5(GPC6):c.283C>T (p.Arg95Cys)

Gene: GPC6 (glypican 6; plus strand). Cytogenetic location: 13q31.3.
Variant type: single nucleotide variant.
Coding change: c.283C>T on transcript NM_005708.5 (MANE Select); coding-DNA position 283, C replaced by T.
Protein change: p.Arg95Cys; replaces arginine 95 with cysteine.
Molecular consequence: missense variant.
Genome position (GRCh38, 1-based): chr13:93,545,385, C>T. VCF-style: chr13-93545385-C-T. GRCh37 (hg19) VCF-style: chr13-94197638-C-T.
Other names: short protein forms R95C.
Identifiers: ClinVar variation 1982699 (VCV001982699.1), dbSNP rs760150200, ClinGen allele CA7016820.